The following is an entry in ClinVar:

NM_000321.3(RB1):c.539C>T (p.Ser180Leu)

Gene: RB1 (RB transcriptional corepressor 1; plus strand). Cytogenetic location: 13q14.2.
Variant type: single nucleotide variant.
Coding change: c.539C>T on transcript NM_000321.3 (MANE Select); coding-DNA position 539, C replaced by T.
Protein change: p.Ser180Leu; replaces serine 180 with leucine.
Molecular consequence: missense variant.
Genome position (GRCh38, 1-based): chr13:48,347,863, C>T. VCF-style: chr13-48347863-C-T. GRCh37 (hg19) VCF-style: chr13-48921999-C-T.
Other names: short protein forms S180L.
Identifiers: ClinVar variation 527940 (VCV000527940.41), dbSNP rs367654488, ClinGen allele CA038630.
Genomic context (GRCh38, chr13:48,347,863, plus strand): 5'-GTCATAATGTTTTTCTTTTCAGGACATGTGAACTTATATATTTGACACAACCCAGCAGTT[C>T]GTAAGTAGTTCACAGAATGTTATTTTTCACTTAAAAAAAAAGATTTTTATGGAATAATCT-3'
Protein context (NP_000312.2, residues 170-190): ELIYLTQPSS[Ser180Leu]ISTEINSALV

ClinVar aggregate classification (germline): Benign/Likely benign. Review status: criteria provided, multiple submitters, no conflicts (2 of 4 stars). 8 submissions from 8 submitters: Benign (1); Likely benign (7). Last evaluated 2026-06-18.

Conditions:
RB1-related disorder. Also called: RB1-related condition.
Hereditary cancer-predisposing syndrome. Also called: Neoplastic Syndromes, Hereditary; Hereditary Cancer Syndrome; Tumor predisposition; Hereditary neoplastic syndrome. Identifiers: Orphanet 140162, MedGen C0027672, MeSH D009386, MONDO:0015356.
Retinoblastoma (RB1). Also called: RETINOBLASTOMA, SOMATIC. Identifiers: Orphanet 790, MedGen C0035335, MeSH D012175, MONDO:0008380, OMIM 180200, HP:0009919. Disease mechanism: loss of function. Inheritance: Both sporadic and heritable forms are tested..

Allele frequency attached by ClinVar (database versions not stated): gnomAD 0.00001; TOPMed 0.00002; ExAC 0.00003; gnomAD exomes 0.00004 and 0.00007; ESP Exome Variant Server 0.00008.
gnomAD v4.1: 99 of 1,582,140 alleles (0.0063%); highest among the groups gnomAD compares: Non-Finnish European, 0.0084%; no homozygotes.

Submissions (8):

Myriad Genetics, Inc.
Classification: Likely benign for Retinoblastoma. Last evaluated: 2026-06-18. Review status: criteria provided, single submitter. Criteria: Myriad Autosomal Dominant, Autosomal Recessive and X-Linked Classification Criteria (2023). Collection method: clinical testing. Allele origin: unknown.
Comment: This variant is considered likely benign. This variant has been observed at a population frequency that is significantly greater than expected given the associated disease prevalence and penetrance.

PreventionGenetics, part of Exact Sciences
Classification: Likely benign for RB1-related condition. Last evaluated: 2026-01-03. Review status: criteria provided, single submitter. Criteria: ACMG Guidelines, 2015. Collection method: clinical testing. Allele origin: germline.
Comment: This variant is classified as likely benign based on ACMG/AMP sequence variant interpretation guidelines (Richards et al. 2015 PMID: 25741868, with internal and published modifications).

Labcorp Genetics (formerly Invitae), Labcorp
Classification: Benign for Retinoblastoma. Last evaluated: 2025-11-13. Review status: criteria provided, single submitter. Criteria: Invitae Variant Classification Sherloc (09022015). Collection method: clinical testing. Allele origin: germline.

Genetic Diagnostic Laboratory, University of Pennsylvania School of Medicine
Classification: Likely benign for Retinoblastoma. Last evaluated: 2024-05-20. Review status: criteria provided, single submitter. Criteria: ACMG Guidelines, 2015. Collection method: clinical testing. Allele origin: germline. Affected: yes. Observed: 1 variant allele.
Comment: Case and Pedigree Information: BILATERAL CASES:0, UNILATERAL CASES:1, TOTAL CASES:1, PEDIGREES:1. ACMG Codes Applied:BP4, BP6

All of Us Research Program, National Institutes of Health
Classification: Likely benign for Retinoblastoma. Last evaluated: 2023-10-02. Review status: criteria provided, single submitter. Criteria: ACMG Guidelines, 2015. Collection method: clinical testing. Allele origin: germline. Inheritance: Autosomal dominant inheritance. Observed: 7 variant alleles, 7 heterozygotes.
Comment: This study involves interpretation of variants in research participants for the purpose of population health screening. Participant phenotype was not available at the time of variant classification. Additional details can be found in publication PMID: 35346344, PMCID: PMC8962531

Color Diagnostics, LLC DBA Color Health
Classification: Likely benign for Retinoblastoma. Last evaluated: 2022-04-26. Review status: criteria provided, single submitter. Criteria: ACMG Guidelines, 2015. Collection method: clinical testing. Allele origin: germline.

CeGaT Center for Human Genetics Tuebingen
Classification: Likely benign. Last evaluated: 2022-04-01. Review status: criteria provided, single submitter. Criteria: CeGaT Center For Human Genetics Tuebingen Variant Classification Criteria Version 2. Collection method: clinical testing. Allele origin: germline. Affected: yes. Observed: 1 variant allele.
Comment: RB1: BP4

Ambry Genetics
Classification: Likely benign for Hereditary cancer-predisposing syndrome. Last evaluated: 2019-10-21. Review status: criteria provided, single submitter. Criteria: Ambry Variant Classification Scheme 2023. Collection method: clinical testing. Allele origin: germline.